The following is an entry in ClinVar:

NM_006231.4(POLE):c.6419AGG[1] (p.Glu2141del)

Gene: POLE (DNA polymerase epsilon, catalytic subunit; minus strand). Cytogenetic location: 12q24.33.
Variant type: Microsatellite.
Coding change: c.6419AGG[1] on transcript NM_006231.4 (MANE Select); one copy of the 3-base unit AGG starting at c.6419; the reference has two copies in a row; one copy, 3 bases deleted.
Protein change: p.Glu2141del; deletes glutamic acid 2141.
Genome position (GRCh38, 1-based): chr12:132,626,224-132,626,226, CCT deleted on the plus strand (AGG on the coding strand, the reverse complement: POLE is on the minus strand); deleting any 3 consecutive bases within chr12:132,626,224-132,626,230 gives the same sequence; the position shown is the placement nearest the transcript's 3' end. VCF-style (leftmost placement, unchanged base first): chr12-132626223-GCCT-G. GRCh37 (hg19) VCF-style: chr12-133202809-GCCT-G.
Other names: short protein forms E2141del.
Identifiers: ClinVar variation 3653281 (VCV003653281.2).
Genomic context (GRCh38, chr12:132,626,223, plus strand): 5'-TTACAGCTGCGGCAGATGACCTCAGGAAGCACGTAGGAGCGGCAGGGGTCTCGGAACTGG[GCCT>G]CCTCGGAGAACTCGCCGACATCCACCAGGCGAAGCAGGTCTCGGTTCAGCTTATTCACCT-3'

ClinVar aggregate classification (germline): Uncertain significance (1 of 4 stars; one submission).

Submission:

Labcorp Genetics (formerly Invitae), Labcorp
Classification: Uncertain significance. Last evaluated: 2024-05-14. Review status: criteria provided, single submitter. Criteria: Invitae Variant Classification Sherloc (09022015). Collection method: clinical testing. Allele origin: germline.
Comment: This variant, c.6422_6424del, results in the deletion of 1 amino acid(s) of the POLE protein (p.Glu2141del), but otherwise preserves the integrity of the reading frame. This variant is not present in population databases (gnomAD no frequency). This variant has not been reported in the literature in individuals affected with POLE-related conditions. Experimental studies and prediction algorithms are not available or were not evaluated, and the functional significance of this variant is currently unknown. In summary, the available evidence is currently insufficient to determine the role of this variant in disease. Therefore, it has been classified as a Variant of Uncertain Significance.